The following is an entry in ClinVar:

ClinVar aggregate classification (germline): Uncertain significance. Review status: criteria provided, single submitter (1 of 4 stars). 2 submissions from 2 submitters: Uncertain significance (1). 1 of the submissions does not count toward it. Last evaluated 2021-10-25.

Conditions:
Congenital myasthenic syndrome (CMS). Also called: Congenital Myasthenic Syndromes. Identifiers: Orphanet 590, MedGen C0751882, MeSH D020294, MONDO:0018940.
Congenital myasthenic syndrome 4A. Also called: Myasthenic syndrome, congenital, 4a, slow-channel; CONGENITAL MYASTHENIC SYNDROME TYPE Ia1; MYASTHENIC SYNDROME, CONGENITAL, 4A, SLOW-CHANNEL, AUTOSOMAL RECESSIVE. Identifiers: Orphanet 590, MedGen C4225413, MONDO:0011600, OMIM 605809.

Allele frequency attached by ClinVar (database versions not stated): TOPMed below 0.00001; gnomAD exomes 0.00001; ExAC 0.00003.
gnomAD v4.1: 11 of 1,563,586 alleles (0.0007%); highest among the groups gnomAD compares: African/African-American, 0.0027%; no homozygotes.

Submissions (2):

Labcorp Genetics (formerly Invitae), Labcorp
Classification: Uncertain significance for Congenital myasthenic syndrome 4A. Last evaluated: 2021-10-25. Review status: criteria provided, single submitter. Criteria: Invitae Variant Classification Sherloc (09022015). Collection method: clinical testing. Allele origin: germline.
Comment: This sequence change replaces alanine with threonine at codon 365 of the CHRNE protein (p.Ala365Thr). The alanine residue is weakly conserved and there is a small physicochemical difference between alanine and threonine. This variant is present in population databases (rs780327519, ExAC 0.006%). This variant has not been reported in the literature in individuals affected with CHRNE-related conditions. Advanced modeling of protein sequence and biophysical properties (such as structural, functional, and spatial information, amino acid conservation, physicochemical variation, residue mobility, and thermodynamic stability) performed at Invitae indicates that this missense variant is not expected to disrupt CHRNE protein function. In summary, the available evidence is currently insufficient to determine the role of this variant in disease. Therefore, it has been classified as a Variant of Uncertain Significance.

Natera, Inc.
Classification: Uncertain significance for Congenital myasthenic syndrome. Last evaluated: 2020-01-17. Review status: no assertion criteria provided. Collection method: clinical testing. Allele origin: germline. Not counted in ClinVar's aggregate classification.

NM_000080.4(CHRNE):c.1093G>A (p.Ala365Thr)

Genes: CHRNE (cholinergic receptor nicotinic epsilon subunit; minus strand), LOC130060041 (ATAC-STARR-seq lymphoblastoid silent region 8050; plus strand). Cytogenetic location: 17p13.2.
Variant type: single nucleotide variant.
Coding change: c.1093G>A on transcript NM_000080.4 (MANE Select); coding-DNA position 1093, G replaced by A.
Protein change: p.Ala365Thr; replaces alanine 365 with threonine.
Molecular consequence: missense variant.
Genome position (GRCh38, 1-based): chr17:4,899,324, C>T on the plus strand (G>A on the coding strand, the complement: CHRNE is on the minus strand). VCF-style: chr17-4899324-C-T. GRCh37 (hg19) VCF-style: chr17-4802619-C-T.
Other names: short protein forms A365T.
Identifiers: ClinVar variation 1020398 (VCV001020398.5), dbSNP rs780327519, ClinGen allele CA8314024.
Genomic context (GRCh38, chr17:4,899,324, plus strand): 5'-TCAGCTCCTCCGCGCGGAGCAATAAGCCCACCGACGACGCCCGCCTTGGGGGCGAGGCGG[C>T]CCGGGGGGCCTCGGGCGGCGGCGGGGAGCCCAGGAGGCGCGGCAGCAGCTCCAGGAGAAC-3'
Protein context (NP_000071.1, residues 355-375): GSPPPPEAPR[Ala365Thr]ASPPRRASSV